The following is an entry in ClinVar:

NM_052947.4(ALPK2):c.5049G>C (p.Lys1683Asn)

Genes: ALPK2 (alpha kinase 2; minus strand), LOC130062577 (ATAC-STARR-seq lymphoblastoid active region 13389; plus strand). Cytogenetic location: 18q21.31.
Variant type: single nucleotide variant.
Coding change: c.5049G>C on transcript NM_052947.4 (MANE Select); coding-DNA position 5049, G replaced by C.
Protein change: p.Lys1683Asn; replaces lysine 1683 with asparagine.
Molecular consequence: missense variant.
Genome position (GRCh38, 1-based): chr18:58,535,138, C>G on the plus strand (G>C on the coding strand, the complement: ALPK2 is on the minus strand). VCF-style: chr18-58535138-C-G. GRCh37 (hg19) VCF-style: chr18-56202370-C-G.
Other names: short protein forms K1683N.
Identifiers: ClinVar variation 1744990 (VCV001744990.2), dbSNP rs2518873580, ClinGen allele CA402558591.

ClinVar aggregate classification (germline): Uncertain significance (1 of 4 stars; one submission).

Submission:

Ambry Genetics
Classification: Uncertain significance. Last evaluated: 2021-07-29. Review status: criteria provided, single submitter. Criteria: Ambry Variant Classification Scheme 2023. Collection method: clinical testing. Allele origin: germline.
Comment: The p.K1683N variant (also known as c.5049G>C), located in coding exon 4 of the ALPK2 gene, results from a G to C substitution at nucleotide position 5049. The lysine at codon 1683 is replaced by asparagine, an amino acid with similar properties. This amino acid position is conserved. In addition, this alteration is predicted to be tolerated by in silico analysis. Since supporting evidence is limited at this time, the clinical significance of this alteration remains unclear.